The following is an entry in ClinVar:

NM_000051.4(ATM):c.1869A>G (p.Ala623=)

Gene: ATM (ATM serine/threonine kinase; plus strand). Cytogenetic location: 11q22.3.
Variant type: single nucleotide variant.
Coding change: c.1869A>G on transcript NM_000051.4 (MANE Select); coding-DNA position 1869, A replaced by G.
Protein change: p.Ala623=; no amino-acid change (alanine 623 retained).
Molecular consequence: synonymous variant.
Genome position (GRCh38, 1-based): chr11:108,252,883, A>G. VCF-style: chr11-108252883-A-G. GRCh37 (hg19) VCF-style: chr11-108123610-A-G.
Other names: c.1869A>G, p.Ala623= (NM_001351834.2).
Identifiers: ClinVar variation 820222 (VCV000820222.15), dbSNP rs1591531055, ClinGen allele CA476672246.
Genomic context (GRCh38, chr11:108,252,883, plus strand): 5'-TCCTCATCTTGTACTGGAGAAAATTCTTGTGAGTCTCACTATGAAAAACTGTAAAGCTGC[A>G]ATGAATTTTTTCCAAAGCGTGCCAGAATGGTATGTTATCTAATAATGCTCTTTATCATTT-3'
Protein context (NP_000042.3, residues 613-633): VSLTMKNCKA[Ala623=]MNFFQSVPEC

ClinVar aggregate classification (germline): Benign/Likely benign. Review status: criteria provided, multiple submitters, no conflicts (2 of 4 stars). 4 submissions from 4 submitters: Benign (1); Likely benign (3). Last evaluated 2024-09-29.

Conditions:
Hereditary cancer-predisposing syndrome. Also called: Hereditary Cancer Syndrome; Neoplastic Syndromes, Hereditary; Hereditary neoplastic syndrome; Tumor predisposition. Identifiers: Orphanet 140162, MedGen C0027672, MeSH D009386, MONDO:0015356.
Familial cancer of breast. Also called: Hereditary breast cancer; hereditary breast carcinoma; BREAST CANCER, FAMILIAL. Identifiers: Orphanet 227535, MedGen C0346153, MONDO:0016419, OMIM 114480. Disease mechanism: loss of function.
Ataxia-telangiectasia syndrome (AT). Also called: Cerebello-oculocutaneous telangiectasia; Immunodeficiency with ataxia telangiectasia; Ataxia-telangiectasia, complementation group E; Ataxia-telangiectasia, complementation group D; AT, COMPLEMENTATION GROUP C; ATAXIA-TELANGIECTASIA, COMPLEMENTATION GROUP A. Identifiers: Orphanet 100, MedGen C0004135, MONDO:0008840, OMIM 208900.

gnomAD v4.1: 1 of 1,613,012 alleles (0.000062%); no homozygotes.

Submissions (4):

Labcorp Genetics (formerly Invitae), Labcorp
Classification: Likely benign for Ataxia-telangiectasia syndrome. Last evaluated: 2024-09-29. Review status: criteria provided, single submitter. Criteria: Invitae Variant Classification Sherloc (09022015). Collection method: clinical testing. Allele origin: germline.

Myriad Genetics, Inc.
Classification: Benign for Familial cancer of breast. Last evaluated: 2024-05-02. Review status: criteria provided, single submitter. Criteria: Myriad Autosomal Dominant, Autosomal Recessive and X-Linked Classification Criteria (2023). Collection method: clinical testing. Allele origin: unknown.
Comment: This variant is considered benign. This variant is a silent/synonymous amino acid change and it is not expected to impact splicing.

Ambry Genetics
Classification: Likely benign for Hereditary cancer-predisposing syndrome. Last evaluated: 2019-09-28. Review status: criteria provided, single submitter. Criteria: Ambry Variant Classification Scheme 2023. Collection method: clinical testing. Allele origin: germline.

Color Diagnostics, LLC DBA Color Health
Classification: Likely benign for Hereditary cancer-predisposing syndrome. Last evaluated: 2019-07-30. Review status: criteria provided, single submitter. Criteria: ACMG Guidelines, 2015. Collection method: clinical testing. Allele origin: germline.